The following is an entry in ClinVar:

ClinVar aggregate classification (germline): Likely benign (1 of 4 stars; one submission).

Submission:

CeGaT Center for Human Genetics Tuebingen
Classification: Likely benign. Last evaluated: 2022-07-01. Review status: criteria provided, single submitter. Criteria: CeGaT Center For Human Genetics Tuebingen Variant Classification Criteria Version 2. Collection method: clinical testing. Allele origin: germline. Affected: yes. Observed: 1 variant allele.
Comment: RXFP1: PM2:Supporting, BP4, BP7

NM_021634.4(RXFP1):c.2049G>T (p.Leu683=)

Gene: RXFP1 (relaxin family peptide receptor 1; plus strand). Cytogenetic location: 4q32.1.
Variant type: single nucleotide variant.
Coding change: c.2049G>T on transcript NM_021634.4 (MANE Select); coding-DNA position 2049, G replaced by T.
Protein change: p.Leu683=; no amino-acid change (leucine 683 retained).
Molecular consequence: synonymous variant. On other transcripts: non-coding transcript variant (5).
Genome position (GRCh38, 1-based): chr4:158,651,830, G>T. VCF-style: chr4-158651830-G-T. GRCh37 (hg19) VCF-style: chr4-159572982-G-T.
Other names: c.2130G>T, p.Leu710= (NM_001253727.2); c.1950G>T, p.Leu650= (NM_001253728.2); c.1905G>T, p.Leu635= (NM_001253729.2); c.1656G>T, p.Leu552= (NM_001253730.2); c.1653G>T, p.Leu551= (NM_001253732.2); c.1581G>T, p.Leu527= (NM_001253733.2); c.1806G>T, p.Leu602= (NM_001363776.1).
Identifiers: ClinVar variation 2655158 (VCV002655158.24), dbSNP rs1371391732, ClinGen allele CA442266222.